The following is an entry in ClinVar:

ClinVar aggregate classification (germline): Likely benign (1 of 4 stars; one submission).

gnomAD v4.1: 5,688 of 1,610,384 alleles (0.35%); highest among the groups gnomAD compares: Non-Finnish European, 0.41%; 15 homozygotes.

Submission:

CeGaT Center for Human Genetics Tuebingen
Classification: Likely benign. Last evaluated: 2026-08-01. Review status: criteria provided, single submitter. Criteria: CeGaT Center For Human Genetics Tuebingen Variant Classification Criteria Version 2. Collection method: clinical testing. Allele origin: germline. Affected: yes. Observed: 9 variant alleles.
Comment: RAP1GDS1: BP4, BS2

NM_001100427.2(RAP1GDS1):c.909T>C (p.Asp303=)

Gene: RAP1GDS1 (Rap1 GTPase-GDP dissociation stimulator 1; plus strand). Cytogenetic location: 4q23.
Variant type: single nucleotide variant.
Coding change: c.909T>C on transcript NM_001100427.2 (MANE Select); coding-DNA position 909, T replaced by C.
Protein change: p.Asp303=; no amino-acid change (aspartic acid 303 retained).
Molecular consequence: synonymous variant.
Genome position (GRCh38, 1-based): chr4:98,417,368, T>C. VCF-style: chr4-98417368-T-C. GRCh37 (hg19) VCF-style: chr4-99338519-T-C.
Other names: c.912T>C, p.Asp304= (NM_001100426.2, NM_021159.5); c.765T>C, p.Asp255= (NM_001100428.2); c.762T>C, p.Asp254= (NM_001100429.2); c.636T>C, p.Asp212= (NM_001100430.2).
Identifiers: ClinVar variation 4083578 (VCV004083578.8).